The following is an entry in ClinVar:

NM_018414.5(ST6GALNAC1):c.1048C>A (p.Leu350Met)

Gene: ST6GALNAC1 (ST6 N-acetylgalactosaminide alpha-2,6-sialyltransferase 1; minus strand). Cytogenetic location: 17q25.1.
Variant type: single nucleotide variant.
Coding change: c.1048C>A on transcript NM_018414.5 (MANE Select); coding-DNA position 1048, C replaced by A.
Protein change: p.Leu350Met; replaces leucine 350 with methionine.
Molecular consequence: missense variant. On other transcripts: non-coding transcript variant (1).
Genome position (GRCh38, 1-based): chr17:76,627,191, G>T on the plus strand (C>A on the coding strand, the complement: ST6GALNAC1 is on the minus strand). VCF-style: chr17-76627191-G-T. GRCh37 (hg19) VCF-style: chr17-74623273-G-T.
Other names: c.652C>A, p.Leu218Met (NM_001289107.2); short protein forms L218M, L350M.
Identifiers: ClinVar variation 3050140 (VCV003050140.2), dbSNP rs140111316, ClinGen allele CA8788974.

ClinVar aggregate classification (germline): Likely benign (0 of 4 stars; one submission).

Conditions:
ST6GALNAC1-related disorder. Also called: ST6GALNAC1-related condition.

Allele frequency attached by ClinVar (database versions not stated): ExAC 0.00063; ESP Exome Variant Server 0.00138; gnomAD 0.00147; TOPMed 0.00164; 1000 Genomes Project 30x 0.00375; 1000 Genomes Project 0.00479.
gnomAD v4.1: 496 of 1,599,248 alleles (0.031%); highest among the groups gnomAD compares: African/African-American, 0.55%; 5 homozygotes.

Submission:

PreventionGenetics, part of Exact Sciences
Classification: Likely benign for ST6GALNAC1-related condition. Last evaluated: 2023-07-16. Review status: no assertion criteria provided. Collection method: clinical testing. Allele origin: germline.
Comment: This variant is classified as likely benign based on ACMG/AMP sequence variant interpretation guidelines (Richards et al. 2015 PMID: 25741868, with internal and published modifications).